The following is an entry in ClinVar:

ClinVar aggregate classification (germline): Uncertain significance. Review status: criteria provided, multiple submitters, no conflicts (2 of 4 stars). 2 submissions from 2 submitters: Uncertain significance (2). Last evaluated 2026-01-10.

Conditions:
Hereditary cancer-predisposing syndrome. Also called: Neoplastic Syndromes, Hereditary; Hereditary neoplastic syndrome; Tumor predisposition; Hereditary Cancer Syndrome. Identifiers: Orphanet 140162, MedGen C0027672, MeSH D009386, MONDO:0015356.
Medulloblastoma (MDB). Also called: Medulloblastoma, somatic; MEDULLOBLASTOMA PREDISPOSITION SYNDROME. Identifiers: Orphanet 616, MedGen C0025149, MeSH D008527, MONDO:0007959, OMIM 155255, HP:0002885.
Gorlin syndrome. Also called: Nevoid Basal Cell Carcinoma Syndrome; Basal cell nevus syndrome. Identifiers: Orphanet 377, MedGen C0004779, MONDO:0007187.

Submissions (2):

Ambry Genetics
Classification: Uncertain significance for Hereditary cancer-predisposing syndrome. Last evaluated: 2026-01-10. Review status: criteria provided, single submitter. Criteria: Ambry Variant Classification Scheme 2023. Collection method: clinical testing. Allele origin: germline.
Comment: The p.A14V variant (also known as c.41C>T), located in coding exon 1 of the SUFU gene, results from a C to T substitution at nucleotide position 41. The alanine at codon 14 is replaced by valine, an amino acid with similar properties. This amino acid position is conserved. In addition, this alteration is predicted to be tolerated by in silico analysis. Based on the available evidence, the clinical significance of this variant remains unclear.

Labcorp Genetics (formerly Invitae), Labcorp
Classification: Uncertain significance for Gorlin syndrome; Medulloblastoma. Last evaluated: 2025-03-12. Review status: criteria provided, single submitter. Criteria: Invitae Variant Classification Sherloc (09022015). Collection method: clinical testing. Allele origin: germline.
Comment: This sequence change replaces alanine, which is neutral and non-polar, with valine, which is neutral and non-polar, at codon 14 of the SUFU protein (p.Ala14Val). This variant is not present in population databases (gnomAD no frequency). This variant has not been reported in the literature in individuals affected with SUFU-related conditions. An algorithm developed to predict the effect of missense changes on protein structure and function (PolyPhen-2) suggests that this variant is likely to be disruptive. In summary, the available evidence is currently insufficient to determine the role of this variant in disease. Therefore, it has been classified as a Variant of Uncertain Significance.

NM_016169.4(SUFU):c.41C>T (p.Ala14Val)

Genes: SUFU (SUFU negative regulator of hedgehog signaling; plus strand), LOC130004614 (ATAC-STARR-seq lymphoblastoid silent region 2764; plus strand). Cytogenetic location: 10q24.32.
Variant type: single nucleotide variant.
Coding change: c.41C>T on transcript NM_016169.4 (MANE Select); coding-DNA position 41, C replaced by T.
Protein change: p.Ala14Val; replaces alanine 14 with valine.
Molecular consequence: missense variant.
Genome position (GRCh38, 1-based): chr10:102,504,193, C>T. VCF-style: chr10-102504193-C-T. GRCh37 (hg19) VCF-style: chr10-104263950-C-T.
Other names: c.41C>T, p.Ala14Val (NM_001178133.2); short protein forms A14V.
Identifiers: ClinVar variation 4790351 (VCV004790351.2).
Genomic context (GRCh38, chr10:102,504,193, plus strand): 5'-TGCCTGCCCTACGCACCCCGATGGCGGAGCTGCGGCCTAGCGGCGCCCCCGGCCCCACCG[C>T]GCCCCCGGCCCCTGGCCCGACTGCCCCCCCGGCCTTCGCTTCGCTCTTTCCCCCGGGACT-3'
Protein context (NP_057253.2, residues 4-24): LRPSGAPGPT[Ala14Val]PPAPGPTAPP